The following is an entry in ClinVar:

ClinVar aggregate classification (germline): Uncertain significance. Review status: criteria provided, multiple submitters, no conflicts (2 of 4 stars). 2 submissions from 2 submitters: Uncertain significance (2). Last evaluated 2023-10-30.

Allele frequency attached by ClinVar (database versions not stated): gnomAD exomes below 0.00001; TOPMed below 0.00001; gnomAD 0.00001.

Submissions (2):

GeneDx
Classification: Uncertain significance. Last evaluated: 2023-10-30. Review status: criteria provided, single submitter. Criteria: GeneDx Variant Classification Process June 2021. Collection method: clinical testing. Allele origin: germline. Affected: yes.
Comment: Not observed in large population cohorts (gnomAD); In silico analysis supports that this missense variant does not alter protein structure/function; Has not been previously published as pathogenic or benign to our knowledge

Labcorp Genetics (formerly Invitae), Labcorp
Classification: Uncertain significance. Last evaluated: 2023-09-20. Review status: criteria provided, single submitter. Criteria: Invitae Variant Classification Sherloc (09022015). Collection method: clinical testing. Allele origin: germline.
Comment: In summary, the available evidence is currently insufficient to determine the role of this variant in disease. Therefore, it has been classified as a Variant of Uncertain Significance. An algorithm developed to predict the effect of missense changes on protein structure and function (PolyPhen-2) suggests that this variant is likely to be tolerated. This variant has not been reported in the literature in individuals affected with ADNP-related conditions. This variant is not present in population databases (gnomAD no frequency). This sequence change replaces proline, which is neutral and non-polar, with serine, which is neutral and polar, at codon 154 of the ADNP protein (p.Pro154Ser).

NM_001282531.3(ADNP):c.460C>T (p.Pro154Ser)

Gene: ADNP (activity dependent neuroprotector homeobox; minus strand). Cytogenetic location: 20q13.13.
Variant type: single nucleotide variant.
Coding change: c.460C>T on transcript NM_001282531.3 (MANE Select); coding-DNA position 460, C replaced by T.
Protein change: p.Pro154Ser; replaces proline 154 with serine.
Molecular consequence: missense variant.
Genome position (GRCh38, 1-based): chr20:50,894,254, G>A on the plus strand (C>T on the coding strand, the complement: ADNP is on the minus strand). VCF-style: chr20-50894254-G-A. GRCh37 (hg19) VCF-style: chr20-49510791-G-A.
Other names: c.460C>T, p.Pro154Ser (NM_001282532.2, NM_001347511.2, NM_015339.5 and 1 more transcripts); short protein forms P154S.
Identifiers: ClinVar variation 2663299 (VCV002663299.4), dbSNP rs1176208415, ClinGen allele CA408977816.